The following is an entry in ClinVar:

NM_000070.3(CAPN3):c.1584C>A (p.Asn528Lys)

Gene: CAPN3 (calpain 3; plus strand). Cytogenetic location: 15q15.1.
Variant type: single nucleotide variant.
Coding change: c.1584C>A on transcript NM_000070.3 (MANE Select); coding-DNA position 1584, C replaced by A.
Protein change: p.Asn528Lys; replaces asparagine 528 with lysine.
Molecular consequence: missense variant.
Genome position (GRCh38, 1-based): chr15:42,402,841, C>A. VCF-style: chr15-42402841-C-A. GRCh37 (hg19) VCF-style: chr15-42695039-C-A.
Other names: c.1584C>A, p.Asn528Lys (NM_024344.2); c.1440C>A, p.Asn480Lys (NM_173087.2); c.48C>A, p.Asn16Lys (NM_173088.2); short protein forms N480K, N528K, N16K.
Identifiers: ClinVar variation 1007452 (VCV001007452.9), dbSNP rs530529988, ClinGen allele CA7511441.

ClinVar aggregate classification (germline): Uncertain significance. Review status: criteria provided, single submitter (1 of 4 stars). 2 submissions from 2 submitters: Uncertain significance (1). 1 of the submissions does not count toward it. Last evaluated 2022-08-22.

Conditions:
Autosomal recessive limb-girdle muscular dystrophy type 2A (LGMDR1). Also called: Calpainopathy; MUSCULAR DYSTROPHY, PELVOFEMORAL; Limb-girdle muscular dystrophy, type 2A; LEYDEN-MOEBIUS MUSCULAR DYSTROPHY; Muscular dystrophy, limb-girdle, type 2A, Amish. Identifiers: Orphanet 267, MedGen C1869123, MONDO:0009675, OMIM 253600. Disease mechanism: loss of function.

Allele frequency attached by ClinVar (database versions not stated): 1000 Genomes Project 0.00060; 1000 Genomes Project 30x 0.00078.
gnomAD v4.1: 6 of 1,614,194 alleles (0.00037%); highest among the groups gnomAD compares: African/African-American, 0.004%; no homozygotes.

Submissions (2):

Labcorp Genetics (formerly Invitae), Labcorp
Classification: Uncertain significance for Autosomal recessive limb-girdle muscular dystrophy type 2A. Last evaluated: 2022-08-22. Review status: criteria provided, single submitter. Criteria: Invitae Variant Classification Sherloc (09022015). Collection method: clinical testing. Allele origin: germline.
Comment: This sequence change replaces asparagine, which is neutral and polar, with lysine, which is basic and polar, at codon 528 of the CAPN3 protein (p.Asn528Lys). This variant is present in population databases (rs530529988, gnomAD 0.01%). This variant has not been reported in the literature in individuals affected with CAPN3-related conditions. ClinVar contains an entry for this variant (Variation ID: 1007452). Algorithms developed to predict the effect of missense changes on protein structure and function are either unavailable or do not agree on the potential impact of this missense change (SIFT: "Deleterious"; PolyPhen-2: "Possibly Damaging"; Align-GVGD: "Class C0"). Algorithms developed to predict the effect of sequence changes on RNA splicing suggest that this variant may create or strengthen a splice site. In summary, the available evidence is currently insufficient to determine the role of this variant in disease. Therefore, it has been classified as a Variant of Uncertain Significance.

Natera, Inc.
Classification: Uncertain significance for Limb-girdle muscular dystrophy type 2A. Last evaluated: 2020-12-10. Review status: no assertion criteria provided. Collection method: clinical testing. Allele origin: germline. Not counted in ClinVar's aggregate classification.